The following is an entry in ClinVar:

NM_004525.3(LRP2):c.4928G>T (p.Arg1643Leu)

Gene: LRP2 (LDL receptor related protein 2; minus strand). Cytogenetic location: 2q31.1.
Variant type: single nucleotide variant.
Coding change: c.4928G>T on transcript NM_004525.3 (MANE Select); coding-DNA position 4928, G replaced by T.
Protein change: p.Arg1643Leu; replaces arginine 1643 with leucine.
Molecular consequence: missense variant.
Genome position (GRCh38, 1-based): chr2:169,233,581, C>A on the plus strand (G>T on the coding strand, the complement: LRP2 is on the minus strand). VCF-style: chr2-169233581-C-A. GRCh37 (hg19) VCF-style: chr2-170090091-C-A.
Other names: short protein forms R1643L.
Identifiers: ClinVar variation 2095702 (VCV002095702.4), dbSNP rs147688332, ClinGen allele CA1954665.

ClinVar aggregate classification (germline): Uncertain significance (1 of 4 stars; one submission).

gnomAD v4.1: 3 of 1,613,938 alleles (0.00019%); highest among the groups gnomAD compares: Non-Finnish European, 0.00025%; no homozygotes.

Submission:

Labcorp Genetics (formerly Invitae), Labcorp
Classification: Uncertain significance. Last evaluated: 2022-02-09. Review status: criteria provided, single submitter. Criteria: Invitae Variant Classification Sherloc (09022015). Collection method: clinical testing. Allele origin: germline.
Comment: This variant has not been reported in the literature in individuals affected with LRP2-related conditions. In summary, the available evidence is currently insufficient to determine the role of this variant in disease. Therefore, it has been classified as a Variant of Uncertain Significance. Advanced modeling of protein sequence and biophysical properties (such as structural, functional, and spatial information, amino acid conservation, physicochemical variation, residue mobility, and thermodynamic stability) performed at Invitae indicates that this missense variant is not expected to disrupt LRP2 protein function. This variant is not present in population databases (gnomAD no frequency). This sequence change replaces arginine, which is basic and polar, with leucine, which is neutral and non-polar, at codon 1643 of the LRP2 protein (p.Arg1643Leu).